The following is an entry in ClinVar:

ClinVar aggregate classification (germline): Uncertain significance (1 of 4 stars; one submission).

Conditions:
MHC class I deficiency. Identifiers: Orphanet 34592, MedGen C6024714, MONDO:0011476.

gnomAD v4.1: 5 of 1,613,224 alleles (0.00031%); highest among the groups gnomAD compares: South Asian, 0.0011%; no homozygotes.

Submission:

Labcorp Genetics (formerly Invitae), Labcorp
Classification: Uncertain significance for MHC class I deficiency 1. Last evaluated: 2026-02-01. Review status: criteria provided, single submitter. Criteria: Invitae Variant Classification Sherloc (09022015). Collection method: clinical testing. Allele origin: germline.
Comment: This sequence change replaces serine, which is neutral and polar, with cysteine, which is neutral and slightly polar, at codon 340 of the TAPBP protein (p.Ser340Cys). This variant is present in population databases (no rsID available, gnomAD 0.003%). This variant has not been reported in the literature in individuals affected with TAPBP-related conditions. An algorithm developed to predict the effect of missense changes on protein structure and function (PolyPhen-2) suggests that this variant is likely to be tolerated. In summary, the available evidence is currently insufficient to determine the role of this variant in disease. Therefore, it has been classified as a Variant of Uncertain Significance.

NM_003190.5(TAPBP):c.1019C>G (p.Ser340Cys)

Gene: TAPBP (TAP binding protein; minus strand). Cytogenetic location: 6p21.32.
Variant type: single nucleotide variant.
Coding change: c.1019C>G on transcript NM_003190.5 (MANE Select); coding-DNA position 1019, C replaced by G.
Protein change: p.Ser340Cys; replaces serine 340 with cysteine.
Molecular consequence: missense variant.
Genome position (GRCh38, 1-based): chr6:33,304,488, G>C on the plus strand (C>G on the coding strand, the complement: TAPBP is on the minus strand). VCF-style: chr6-33304488-G-C. GRCh37 (hg19) VCF-style: chr6-33272265-G-C.
Other names: c.1019C>G, p.Ser340Cys (NM_001410875.1, NM_172208.3); c.758C>G, p.Ser253Cys (NM_172209.3); short protein forms S340C, S253C.
Identifiers: ClinVar variation 4744235 (VCV004744235.1).